The following is an entry in ClinVar:

ClinVar aggregate classification (germline): Uncertain significance (1 of 4 stars; one submission).

Submission:

Ambry Genetics
Classification: Uncertain significance. Last evaluated: 2024-01-13. Review status: criteria provided, single submitter. Criteria: Ambry Variant Classification Scheme 2023. Collection method: clinical testing. Allele origin: germline.
Comment: The p.E523G variant (also known as c.1568A>G), located in coding exon 10 of the POLQ gene, results from an A to G substitution at nucleotide position 1568. The glutamic acid at codon 523 is replaced by glycine, an amino acid with similar properties. This amino acid position is conserved. In addition, this alteration is predicted to be tolerated by in silico analysis. Since supporting evidence is limited at this time, the clinical significance of this alteration remains unclear.

NM_199420.4(POLQ):c.1568A>G (p.Glu523Gly)

Gene: POLQ (DNA polymerase theta; minus strand). Cytogenetic location: 3q13.33.
Variant type: single nucleotide variant.
Coding change: c.1568A>G on transcript NM_199420.4 (MANE Select); coding-DNA position 1568, A replaced by G.
Protein change: p.Glu523Gly; replaces glutamic acid 523 with glycine.
Molecular consequence: missense variant.
Genome position (GRCh38, 1-based): chr3:121,511,930, T>C on the plus strand (A>G on the coding strand, the complement: POLQ is on the minus strand). VCF-style: chr3-121511930-T-C. GRCh37 (hg19) VCF-style: chr3-121230777-T-C.
Other names: short protein forms E523G.
Identifiers: ClinVar variation 3229842 (VCV003229842.1), dbSNP rs2546804252, ClinGen allele CA354116084.
Genomic context (GRCh38, chr3:121,511,930, plus strand): 5'-AGTAAATTCTCTCTTACCTCCAGAATAGCTCGTATCATGCTGCCAGTTACTTCTTCTCCT[T>C]CTCGTCTTTGCAGACAGCTGCGAACAGGCTTTAGAGAACCCTGAAGGAGAGCTATGCCTT-3'
Protein context (NP_955452.3, residues 513-533): KPVRSCLQRR[Glu523Gly]GEEVTGSMIR